The following is an entry in ClinVar:

NM_001080517.3(SETD5):c.3136G>A (p.Gly1046Ser)

Gene: SETD5 (SET domain containing 5; plus strand). Cytogenetic location: 3p25.3.
Variant type: single nucleotide variant.
Coding change: c.3136G>A on transcript NM_001080517.3 (MANE Select); coding-DNA position 3136, G replaced by A.
Protein change: p.Gly1046Ser; replaces glycine 1046 with serine.
Molecular consequence: missense variant.
Genome position (GRCh38, 1-based): chr3:9,470,870, G>A. VCF-style: chr3-9470870-G-A. GRCh37 (hg19) VCF-style: chr3-9512554-G-A.
Other names: c.2842G>A, p.Gly948Ser (NM_001292043.2, NM_001349451.2); c.3232G>A, p.Gly1078Ser (NM_001437633.1); c.3250G>A, p.Gly1084Ser (NM_001437635.1); c.3193G>A, p.Gly1065Ser (NM_001437643.1); c.3175G>A, p.Gly1059Ser (NM_001437701.1); short protein forms G1046S, G1059S, G1065S, G1078S, G1084S, G948S.
Identifiers: ClinVar variation 4882097 (VCV004882097.2).

ClinVar aggregate classification (germline): Uncertain significance (1 of 4 stars; one submission).

gnomAD v4.1: 1 of 1,610,716 alleles (0.000062%); highest among the groups gnomAD compares: Non-Finnish European, 0.000085%; no homozygotes.

Submission:

Dasa
Classification: Uncertain significance. Last evaluated: 2026-01-15. Review status: criteria provided, single submitter. Criteria: DASA Assertion Criteria. Collection method: clinical testing. Allele origin: germline.
Comment: NM_001080517.3(SETD5):c.3136G>A (p.Gly1046Ser) is a missense variant that results in the substitution of glycine with serine. This variant is rare in population databases. The currently available literature and clinical evidence are not sufficient to establish a definitive association between this variant and the reported condition. Therefore, this variant is classified as a variant of uncertain significance.